The following is an entry in ClinVar:

NM_003701.4(TNFSF11):c.484G>A (p.Ala162Thr)

Genes: TNFSF11 (TNF superfamily member 11; plus strand), LOC126861753 (P300/CBP strongly-dependent group 1 enhancer GRCh37_chr13:43174688-43175887; plus strand). Cytogenetic location: 13q14.11.
Variant type: single nucleotide variant.
Coding change: c.484G>A on transcript NM_003701.4 (MANE Select); coding-DNA position 484, G replaced by A.
Protein change: p.Ala162Thr; replaces alanine 162 with threonine.
Molecular consequence: missense variant.
Genome position (GRCh38, 1-based): chr13:42,600,933, G>A. VCF-style: chr13-42600933-G-A. GRCh37 (hg19) VCF-style: chr13-43175069-G-A.
Other names: c.265G>A, p.Ala89Thr (NM_033012.4); short protein forms A162T, A89T.
Identifiers: ClinVar variation 1386384 (VCV001386384.8), dbSNP rs763230247, ClinGen allele CA249052767.
Genomic context (GRCh38, chr13:42,600,933, plus strand): 5'-TCATCTCCAGCGATGGTGGATGGCTCATGGTTAGATCTGGCCAAGAGGAGCAAGCTTGAA[G>A]CTCAGCCTTTTGCTCATCTCACTATTAATGCCACCGACATCCCATCTGGTAAGCTCTATC-3'
Protein context (NP_003692.1, residues 152-172): LDLAKRSKLE[Ala162Thr]QPFAHLTINA

ClinVar aggregate classification (germline): Uncertain significance (1 of 4 stars; one submission).

Allele frequency attached by ClinVar (database versions not stated): gnomAD exomes 0.00001; gnomAD 0.00002 and 0.00003; TOPMed 0.00003.
gnomAD v4.1: 28 of 1,614,008 alleles (0.0017%); highest among the groups gnomAD compares: Non-Finnish European, 0.0022%; no homozygotes.

Submission:

Labcorp Genetics (formerly Invitae), Labcorp
Classification: Uncertain significance. Last evaluated: 2023-10-13. Review status: criteria provided, single submitter. Criteria: Invitae Variant Classification Sherloc (09022015). Collection method: clinical testing. Allele origin: germline.
Comment: This sequence change replaces alanine, which is neutral and non-polar, with threonine, which is neutral and polar, at codon 162 of the TNFSF11 protein (p.Ala162Thr). This variant is present in population databases (rs763230247, gnomAD 0.002%). This variant has not been reported in the literature in individuals affected with TNFSF11-related conditions. ClinVar contains an entry for this variant (Variation ID: 1386384). Advanced modeling of protein sequence and biophysical properties (such as structural, functional, and spatial information, amino acid conservation, physicochemical variation, residue mobility, and thermodynamic stability) performed at Invitae indicates that this missense variant is not expected to disrupt TNFSF11 protein function. In summary, the available evidence is currently insufficient to determine the role of this variant in disease. Therefore, it has been classified as a Variant of Uncertain Significance.